The following is an entry in ClinVar:

ClinVar aggregate classification (germline): Benign. Review status: criteria provided, single submitter (1 of 4 stars). 2 submissions from 2 submitters: Benign (1). 1 of the submissions does not count toward it. Last evaluated 2018-07-13.

Conditions:
DGKD-related disorder. Also called: DGKD-related condition.

Allele frequency attached by ClinVar (database versions not stated): TOPMed 0.00132; gnomAD exomes 0.00009 and 0.00022; 1000 Genomes Project 0.00080; 1000 Genomes Project 30x 0.00094; gnomAD 0.00118 and 0.00111; ESP Exome Variant Server 0.00154; ExAC 0.00032.
gnomAD v4.1: 304 of 1,612,108 alleles (0.019%); highest among the groups gnomAD compares: African/African-American, 0.35%; no homozygotes.

Submissions (2):

Labcorp Genetics (formerly Invitae), Labcorp
Classification: Benign. Last evaluated: 2018-07-13. Review status: criteria provided, single submitter. Criteria: Invitae Variant Classification Sherloc (09022015). Collection method: clinical testing. Allele origin: germline.

PreventionGenetics, part of Exact Sciences
Classification: Likely benign for DGKD-related condition. Last evaluated: 2019-03-12. Review status: no assertion criteria provided. Collection method: clinical testing. Allele origin: germline. Not counted in ClinVar's aggregate classification.
Comment: This variant is classified as likely benign based on ACMG/AMP sequence variant interpretation guidelines (Richards et al. 2015 PMID: 25741868, with internal and published modifications).

NM_152879.3(DGKD):c.2134C>T (p.Leu712=)

Gene: DGKD (diacylglycerol kinase delta; plus strand). Cytogenetic location: 2q37.1.
Variant type: single nucleotide variant.
Coding change: c.2134C>T on transcript NM_152879.3 (MANE Select); coding-DNA position 2134, C replaced by T.
Protein change: p.Leu712=; no amino-acid change (leucine 712 retained).
Molecular consequence: synonymous variant.
Genome position (GRCh38, 1-based): chr2:233,451,017, C>T. VCF-style: chr2-233451017-C-T. GRCh37 (hg19) VCF-style: chr2-234359663-C-T.
Other names: c.2002C>T, p.Leu668= (NM_003648.3).
Identifiers: ClinVar variation 724328 (VCV000724328.5), dbSNP rs113452563, ClinGen allele CA2175493.